The following is an entry in ClinVar:

NM_032043.3(BRIP1):c.2158G>A (p.Val720Met)

Gene: BRIP1 (BRCA1 interacting DNA helicase 1; minus strand). Cytogenetic location: 17q23.2.
Variant type: single nucleotide variant.
Coding change: c.2158G>A on transcript NM_032043.3 (MANE Select); coding-DNA position 2158, G replaced by A.
Protein change: p.Val720Met; replaces valine 720 with methionine.
Molecular consequence: missense variant.
Genome position (GRCh38, 1-based): chr17:61,744,531, C>T on the plus strand (G>A on the coding strand, the complement: BRIP1 is on the minus strand). VCF-style: chr17-61744531-C-T. GRCh37 (hg19) VCF-style: chr17-59821892-C-T.
Other names: short protein forms V720M.
Identifiers: ClinVar variation 491433 (VCV000491433.23), dbSNP rs1555591459, ClinGen allele CA400483158.

ClinVar aggregate classification (germline): Uncertain significance. Review status: criteria provided, multiple submitters, no conflicts (2 of 4 stars). 5 submissions from 5 submitters: Uncertain significance (4). 1 of the submissions does not count toward it. Last evaluated 2025-07-21.

Conditions:
Fanconi anemia complementation group J. Also called: BRIP1-Related Fanconi Anemia. Identifiers: Orphanet 84, MedGen C1836860, MONDO:0012187, OMIM 609054.
Familial cancer of breast. Also called: BREAST CANCER, FAMILIAL; hereditary breast carcinoma; Hereditary breast cancer. Identifiers: Orphanet 227535, MedGen C0346153, MONDO:0016419, OMIM 114480. Disease mechanism: loss of function.
Hereditary cancer-predisposing syndrome. Also called: Tumor predisposition; Neoplastic Syndromes, Hereditary; Hereditary Cancer Syndrome; Hereditary neoplastic syndrome. Identifiers: Orphanet 140162, MedGen C0027672, MeSH D009386, MONDO:0015356.
Malignant tumor of breast. Also called: Malignant breast neoplasm; Cancer breast. Identifiers: MedGen C0006142, MONDO:0007254. Disease mechanism: loss of function.

Allele frequency attached by ClinVar (database versions not stated): gnomAD exomes below 0.00001.
gnomAD v4.1: 1 of 1,613,864 alleles (0.000062%); highest among the groups gnomAD compares: East Asian, 0.0022%; no homozygotes.

Submissions (5):

Labcorp Genetics (formerly Invitae), Labcorp
Classification: Uncertain significance for Familial cancer of breast; Fanconi anemia complementation group J. Last evaluated: 2025-07-21. Review status: criteria provided, single submitter. Criteria: Invitae Variant Classification Sherloc (09022015). Collection method: clinical testing. Allele origin: germline.
Comment: This sequence change replaces valine, which is neutral and non-polar, with methionine, which is neutral and non-polar, at codon 720 of the BRIP1 protein (p.Val720Met). This variant is not present in population databases (gnomAD no frequency). This variant has not been reported in the literature in individuals affected with BRIP1-related conditions. ClinVar contains an entry for this variant (Variation ID: 491433). Invitae Evidence Modeling of protein sequence and biophysical properties (such as structural, functional, and spatial information, amino acid conservation, physicochemical variation, residue mobility, and thermodynamic stability) has been performed for this missense variant. However, the output from this modeling did not meet the statistical confidence thresholds required to predict the impact of this variant on BRIP1 protein function. In summary, the available evidence is currently insufficient to determine the role of this variant in disease. Therefore, it has been classified as a Variant of Uncertain Significance.

Baylor Genetics
Classification: Uncertain significance for Familial cancer of breast. Last evaluated: 2023-08-02. Review status: criteria provided, single submitter. Criteria: ACMG Guidelines, 2015. Collection method: clinical testing. Allele origin: unknown.

Ambry Genetics
Classification: Uncertain significance for Hereditary cancer-predisposing syndrome. Last evaluated: 2023-01-03. Review status: criteria provided, single submitter. Criteria: Ambry Variant Classification Scheme 2023. Collection method: clinical testing. Allele origin: germline.
Comment: The p.V720M variant (also known as c.2158G>A), located in coding exon 14 of the BRIP1 gene, results from a G to A substitution at nucleotide position 2158. The valine at codon 720 is replaced by methionine, an amino acid with highly similar properties. This amino acid position is not well conserved in available vertebrate species. In addition, the in silico prediction for this alteration is inconclusive. Since supporting evidence is limited at this time, the clinical significance of this alteration remains unclear.

Color Diagnostics, LLC DBA Color Health
Classification: Uncertain significance for Hereditary cancer-predisposing syndrome. Last evaluated: 2019-04-09. Review status: criteria provided, single submitter. Criteria: ACMG Guidelines, 2015. Collection method: clinical testing. Allele origin: germline.

Department of Pathology and Laboratory Medicine, Sinai Health System
Classification: Likely benign for Malignant tumor of breast. Review status: no assertion criteria provided. Collection method: clinical testing. Allele origin: unknown. Affected: yes. Study: The Canadian Open Genetics Repository (COGR). Not counted in ClinVar's aggregate classification.
Comment: The BRIP1 p.Val720Met variant was not identified in the literature nor was it identified in the dbSNP, ClinVar, Cosmic, MutDB, Zhejiang Colon Cancer Databases. The variant was not identified in the 1000 Genomes Project, the NHLBI GO Exome Sequencing Project or the Exome Aggregation Consortium (August 8th 2016) control databases. The p.Val720 residue is conserved in mammals but not in more distantly related organisms however four out of five computational analyses (PolyPhen-2, SIFT, AlignGVGD, BLOSUM, MutationTaster) do not suggest a high likelihood of impact to the protein; this information is not predictive enough to rule out pathogenicity. The variant occurs outside of the splicing consensus sequence and 1 of 5 in silico or computational prediction software programs (SpliceSiteFinder, MaxEntScan, NNSPLICE, GeneSplicer, HumanSpliceFinder) predict a greater than 10% difference in splicing; this is not very predictive of pathogenicity. The variant is located with the DNA helicase (DNA repair), Rad3 type Helicase, ATP-dependent, c2 type functional domain(s) increasing the likelihood that it may have clinical significance. In summary, based on the above information the clinical significance of this variant cannot be determined with certainty at this time although we would lean towards a more benign role for this variant. This variant is classified as likely benign.